The following is an entry in ClinVar:

NM_003716.4(CADPS):c.484G>A (p.Ala162Thr)

Gene: CADPS (calcium dependent secretion activator; minus strand). Cytogenetic location: 3p14.2.
Variant type: single nucleotide variant.
Coding change: c.484G>A on transcript NM_003716.4 (MANE Select); coding-DNA position 484, G replaced by A.
Protein change: p.Ala162Thr; replaces alanine 162 with threonine.
Molecular consequence: missense variant.
Genome position (GRCh38, 1-based): chr3:62,765,942, C>T on the plus strand (G>A on the coding strand, the complement: CADPS is on the minus strand). VCF-style: chr3-62765942-C-T. GRCh37 (hg19) VCF-style: chr3-62751617-C-T.
Other names: c.484G>A, p.Ala162Thr (NM_183393.3, NM_183394.3); short protein forms A162T.
Identifiers: ClinVar variation 161849 (VCV000161849.2), dbSNP rs193921128, ClinGen allele CA174902.

ClinVar aggregate classification (germline): Uncertain significance (0 of 4 stars; one submission).

Conditions:
Prostate cancer. Also called: Malignant tumor of prostate. Identifiers: Orphanet 1331, MedGen C0376358, MONDO:0008315, HP:0012125.

Submission:

Science for Life laboratory,  Karolinska Institutet
Classification: Uncertain significance for Malignant tumor of prostate. Review status: no assertion criteria provided. Collection method: not provided. Allele origin: somatic.
Comment: TumorID:SWE-92B
ClinVar note: Converted during submission from Unknown to Uncertain significance.